The following is an entry in ClinVar:

ClinVar aggregate classification (germline): Uncertain significance. Review status: criteria provided, multiple submitters, no conflicts (2 of 4 stars). 2 submissions from 2 submitters: Uncertain significance (2). Last evaluated 2025-03-21.

Conditions:
Cardiovascular phenotype. Identifiers: MedGen CN230736.
Alstrom syndrome (ALMS). Identifiers: Orphanet 64, MedGen C0268425, MONDO:0008763, OMIM 203800.

Submissions (2):

Ambry Genetics
Classification: Uncertain significance for Cardiovascular phenotype. Last evaluated: 2025-03-21. Review status: criteria provided, single submitter. Criteria: Ambry Variant Classification Scheme 2023. Collection method: clinical testing. Allele origin: germline.
Comment: The p.P2013R variant (also known as c.6038C>G), located in coding exon 8 of the ALMS1 gene, results from a C to G substitution at nucleotide position 6038. The proline at codon 2013 is replaced by arginine, an amino acid with dissimilar properties. This amino acid position is poorly conserved in available vertebrate species. In addition, this alteration is predicted to be tolerated by in silico analysis. Based on the available evidence, the clinical significance of this variant remains unclear.

Labcorp Genetics (formerly Invitae), Labcorp
Classification: Uncertain significance for Alstrom syndrome. Last evaluated: 2021-10-21. Review status: criteria provided, single submitter. Criteria: Invitae Variant Classification Sherloc (09022015). Collection method: clinical testing. Allele origin: germline.
Comment: This sequence change replaces proline, which is neutral and non-polar, with arginine, which is basic and polar, at codon 2013 of the ALMS1 protein (p.Pro2013Arg). This variant is not present in population databases (gnomAD no frequency). This variant has not been reported in the literature in individuals affected with ALMS1-related conditions. Experimental studies and prediction algorithms are not available or were not evaluated, and the functional significance of this variant is currently unknown. In summary, the available evidence is currently insufficient to determine the role of this variant in disease. Therefore, it has been classified as a Variant of Uncertain Significance.

NM_001378454.1(ALMS1):c.6035C>G (p.Pro2012Arg)

Gene: ALMS1 (ALMS1 centrosome and basal body associated protein; plus strand). Cytogenetic location: 2p13.1.
Variant type: single nucleotide variant.
Coding change: c.6035C>G on transcript NM_001378454.1 (MANE Select); coding-DNA position 6035, C replaced by G.
Protein change: p.Pro2012Arg; replaces proline 2012 with arginine.
Molecular consequence: missense variant.
Genome position (GRCh38, 1-based): chr2:73,452,562, C>G. VCF-style: chr2-73452562-C-G. GRCh37 (hg19) VCF-style: chr2-73679689-C-G.
Other names: c.6038C>G, p.Pro2013Arg (NM_015120.4); short protein forms P2012R, P2013R.
Identifiers: ClinVar variation 1409654 (VCV001409654.4), dbSNP rs750993966, ClinGen allele CA347284555.